The following is an entry in ClinVar:

ClinVar aggregate classification (germline): Uncertain significance (1 of 4 stars; one submission).

Submission:

Labcorp Genetics (formerly Invitae), Labcorp
Classification: Uncertain significance. Last evaluated: 2025-11-01. Review status: criteria provided, single submitter. Criteria: Invitae Variant Classification Sherloc (09022015). Collection method: clinical testing. Allele origin: germline.
Comment: This sequence change falls in intron 3 of the HDAC4 gene. It does not directly change the encoded amino acid sequence of the HDAC4 protein. This variant is not present in population databases (gnomAD no frequency). This variant has not been reported in the literature in individuals affected with HDAC4-related conditions. Algorithms developed to predict the effect of sequence changes on RNA splicing suggest that this variant may disrupt the consensus splice site. In summary, the available evidence is currently insufficient to determine the role of this variant in disease. Therefore, it has been classified as a Variant of Uncertain Significance.

NM_001378414.1(HDAC4):c.95-14T>A

Gene: HDAC4 (histone deacetylase 4; minus strand). Cytogenetic location: 2q37.3.
Variant type: single nucleotide variant.
Coding change: c.95-14T>A on transcript NM_001378414.1 (MANE Select); 14 bases into the intron before coding-DNA position 95, T replaced by A.
Molecular consequence: intron variant.
Genome position (GRCh38, 1-based): chr2:239,190,091, A>T on the plus strand (T>A on the coding strand, the complement: HDAC4 is on the minus strand). VCF-style: chr2-239190091-A-T. GRCh37 (hg19) VCF-style: chr2-240111787-A-T.
Other names: c.95-14T>A (NM_001378417.1, NM_001378415.1, NM_001378416.1 and 1 more transcripts); c.-50-14T>A (NM_001435993.1); c.14-14T>A (NM_001435991.1, NM_001435992.1, NM_001435998.1 and 1 more transcripts); c.80-14T>A (NM_001435996.1).
Identifiers: ClinVar variation 4727496 (VCV004727496.1).